The following is an entry in ClinVar:

NM_001046.3(SLC12A2):c.3100+2T>C

Gene: SLC12A2 (solute carrier family 12 member 2; plus strand). Cytogenetic location: 5q23.3.
Variant type: single nucleotide variant.
Coding change: c.3100+2T>C on transcript NM_001046.3 (MANE Select); the canonical splice donor site of the intron after coding-DNA position 3100, T replaced by C.
Molecular consequence: splice donor variant.
Genome position (GRCh38, 1-based): chr5:128,178,691, T>C. VCF-style: chr5-128178691-T-C. GRCh37 (hg19) VCF-style: chr5-127514383-T-C.
Other names: c.3052+2T>C (NM_001256461.2).
Identifiers: ClinVar variation 3896581 (VCV003896581.2).

ClinVar aggregate classification (germline): Likely pathogenic (1 of 4 stars; one submission).

Conditions:
SLC12A2-related disorder. Also called: SLC12A2-related condition; SLC12A2-related disorders.

Submission:

Women's Health and Genetics/Laboratory Corporation of America, LabCorp
Classification: Likely pathogenic for SLC12A2-Related Disorders. Last evaluated: 2025-04-28. Review status: criteria provided, single submitter. Criteria: LabCorp Variant Classification Summary - May 2015. Collection method: clinical testing. Allele origin: germline.
Comment: Variant summary: SLC12A2 c.3100+2T>C is located in a canonical splice-site and is predicted to affect mRNA splicing resulting in a significantly altered protein due to either exon skipping, shortening, or inclusion of intronic material. Variants that disrupt the consensus splice site are a relatively common cause of aberrant splicing and loss of SLC12A2 function. Several computational tools predict a significant impact on normal splicing: Two predict the variant abolishes a 5' splicing donor site. One predicts the variant weakens a 5' donor site. However, these predictions have yet to be confirmed by functional studies. The frequency data for this variant in gnomAD is considered unreliable, as metrics indicate poor data quality at this position. To our knowledge, no occurrence of c.3100+2T>C in individuals affected with SLC12A2-Related Disorders and no experimental evidence demonstrating its impact on protein function have been reported. No submitters have cited clinical-significance assessments for this variant to ClinVar. Based on the evidence outlined above, the variant was classified as likely pathogenic.